The following is an entry in ClinVar:

NM_003200.5(TCF3):c.122C>T (p.Ala41Val)

Gene: TCF3 (transcription factor 3; minus strand). Cytogenetic location: 19p13.3.
Variant type: single nucleotide variant.
Coding change: c.122C>T on transcript NM_003200.5 (MANE Select); coding-DNA position 122, C replaced by T.
Protein change: p.Ala41Val; replaces alanine 41 with valine.
Molecular consequence: missense variant.
Genome position (GRCh38, 1-based): chr19:1,646,378, G>A on the plus strand (C>T on the coding strand, the complement: TCF3 is on the minus strand). VCF-style: chr19-1646378-G-A. GRCh37 (hg19) VCF-style: chr19-1646377-G-A.
Other names: c.122C>T, p.Ala41Val (NM_001136139.4, NM_001351778.2, NM_001351779.2); short protein forms A41V.
Identifiers: ClinVar variation 1475772 (VCV001475772.6), dbSNP rs1164093592, ClinGen allele CA16040544.

ClinVar aggregate classification (germline): Uncertain significance (1 of 4 stars; one submission).

Allele frequency attached by ClinVar (database versions not stated): gnomAD exomes below 0.00001 and 0.00001; TOPMed below 0.00001.
gnomAD v4.1: 5 of 1,550,312 alleles (0.00032%); highest among the groups gnomAD compares: Admixed American, 0.0039%; no homozygotes.

Submission:

Labcorp Genetics (formerly Invitae), Labcorp
Classification: Uncertain significance. Last evaluated: 2025-12-19. Review status: criteria provided, single submitter. Criteria: Invitae Variant Classification Sherloc (09022015). Collection method: clinical testing. Allele origin: germline.
Comment: This sequence change replaces alanine, which is neutral and non-polar, with valine, which is neutral and non-polar, at codon 41 of the TCF3 protein (p.Ala41Val). The frequency data for this variant in the population databases is considered unreliable, as metrics indicate poor data quality at this position in the gnomAD database. This variant has not been reported in the literature in individuals affected with TCF3-related conditions. ClinVar contains an entry for this variant (Variation ID: 1475772). Invitae Evidence Modeling of protein sequence and biophysical properties (such as structural, functional, and spatial information, amino acid conservation, physicochemical variation, residue mobility, and thermodynamic stability) has been performed for this missense variant. However, the output from this modeling did not meet the statistical confidence thresholds required to predict the impact of this variant on TCF3 protein function. In summary, the available evidence is currently insufficient to determine the role of this variant in disease. Therefore, it has been classified as a Variant of Uncertain Significance.